The following is an entry in ClinVar:

ClinVar aggregate classification (germline): Uncertain significance. Review status: criteria provided, multiple submitters, no conflicts (2 of 4 stars). 2 submissions from 2 submitters: Uncertain significance (2). Last evaluated 2024-10-19.

Allele frequency attached by ClinVar (database versions not stated): gnomAD 0.00001; gnomAD exomes 0.00001; ExAC 0.00002; TOPMed 0.00002.
gnomAD v4.1: 19 of 1,613,740 alleles (0.0012%); highest among the groups gnomAD compares: East Asian, 0.0089%; no homozygotes.

Submissions (2):

Labcorp Genetics (formerly Invitae), Labcorp
Classification: Uncertain significance. Last evaluated: 2024-10-19. Review status: criteria provided, single submitter. Criteria: Invitae Variant Classification Sherloc (09022015). Collection method: clinical testing. Allele origin: germline.
Comment: This sequence change replaces valine, which is neutral and non-polar, with methionine, which is neutral and non-polar, at codon 337 of the ABCA3 protein (p.Val337Met). This variant is present in population databases (rs764506198, gnomAD 0.01%). This variant has not been reported in the literature in individuals affected with ABCA3-related conditions. ClinVar contains an entry for this variant (Variation ID: 1708362). Invitae Evidence Modeling of protein sequence and biophysical properties (such as structural, functional, and spatial information, amino acid conservation, physicochemical variation, residue mobility, and thermodynamic stability) indicates that this missense variant is not expected to disrupt ABCA3 protein function with a negative predictive value of 80%. In summary, the available evidence is currently insufficient to determine the role of this variant in disease. Therefore, it has been classified as a Variant of Uncertain Significance.

Centre of Medical Genetics, University Hospital Muenster
Classification: Uncertain significance. Last evaluated: 2021-10-15. Review status: criteria provided, single submitter. Criteria: ACMG Guidelines, 2015. Collection method: clinical testing. Allele origin: unknown. Affected: yes. Observed: 1 variant allele, 1 heterozygote.
Comment: ACMG categories: PM1,PM2,PP3

NM_001089.3(ABCA3):c.1009G>A (p.Val337Met)

Gene: ABCA3 (ATP binding cassette subfamily A member 3; minus strand). Cytogenetic location: 16p13.3.
Variant type: single nucleotide variant.
Coding change: c.1009G>A on transcript NM_001089.3 (MANE Select); coding-DNA position 1009, G replaced by A.
Protein change: p.Val337Met; replaces valine 337 with methionine.
Molecular consequence: missense variant.
Genome position (GRCh38, 1-based): chr16:2,317,385, C>T on the plus strand (G>A on the coding strand, the complement: ABCA3 is on the minus strand). VCF-style: chr16-2317385-C-T. GRCh37 (hg19) VCF-style: chr16-2367386-C-T.
Other names: short protein forms V337M.
Identifiers: ClinVar variation 1708362 (VCV001708362.5), dbSNP rs764506198, ClinGen allele CA7841405.